The following is an entry in ClinVar:

NM_001008216.2(GALE):c.492C>T (p.Ile164=)

Gene: GALE (UDP-galactose-4-epimerase; minus strand). Cytogenetic location: 1p36.11.
Variant type: single nucleotide variant.
Coding change: c.492C>T on transcript NM_001008216.2 (MANE Select); coding-DNA position 492, C replaced by T.
Protein change: p.Ile164=; no amino-acid change (isoleucine 164 retained).
Molecular consequence: synonymous variant.
Genome position (GRCh38, 1-based): chr1:23,797,731, G>A on the plus strand (C>T on the coding strand, the complement: GALE is on the minus strand). VCF-style: chr1-23797731-G-A. GRCh37 (hg19) VCF-style: chr1-24124221-G-A.
Other names: c.492C>T, p.Ile164= (NM_000403.4, NM_001127621.2).
Identifiers: ClinVar variation 795325 (VCV000795325.10), dbSNP rs370228054, ClinGen allele CA685657.

ClinVar aggregate classification (germline): Likely benign. Review status: criteria provided, multiple submitters, no conflicts (2 of 4 stars). 2 submissions from 2 submitters: Likely benign (2). Last evaluated 2026-01-08.

Conditions:
UDPglucose-4-epimerase deficiency. Also called: GALACTOSEMIA III; GALE DEFICIENCY; Epimerase Deficiency Galactosemia; UDPglucose 4-Epimerase Deficiency Disease; UDP-GALACTOSE-4-EPIMERASE DEFICIENCY; Galactose epimerase deficiency. Identifiers: Orphanet 352, Orphanet 79238, MedGen C0751161, MONDO:0009257, OMIM 230350.
GALE-related disorder. Also called: GALE-related condition.

Allele frequency attached by ClinVar (database versions not stated): gnomAD exomes 0.00008 and 0.00011; TOPMed 0.00009; ESP Exome Variant Server 0.00015; ExAC 0.00010; gnomAD 0.00011.
gnomAD v4.1: 180 of 1,613,996 alleles (0.011%); highest among the groups gnomAD compares: Non-Finnish European, 0.015%; no homozygotes.

Submissions (2):

Labcorp Genetics (formerly Invitae), Labcorp
Classification: Likely benign for UDPglucose-4-epimerase deficiency. Last evaluated: 2026-01-08. Review status: criteria provided, single submitter. Criteria: Invitae Variant Classification Sherloc (09022015). Collection method: clinical testing. Allele origin: germline.

PreventionGenetics, part of Exact Sciences
Classification: Likely benign for GALE-related condition. Last evaluated: 2025-12-07. Review status: criteria provided, single submitter. Criteria: ACMG Guidelines, 2015. Collection method: clinical testing. Allele origin: germline.
Comment: This variant is classified as likely benign based on ACMG/AMP sequence variant interpretation guidelines (Richards et al. 2015 PMID: 25741868, with internal and published modifications).